The following is an entry in ClinVar:

NM_033004.4(NLRP1):c.1321G>A (p.Gly441Ser)

Gene: NLRP1 (NLR family pyrin domain containing 1; minus strand). Cytogenetic location: 17p13.2.
Variant type: single nucleotide variant.
Coding change: c.1321G>A on transcript NM_033004.4 (MANE Select); coding-DNA position 1321, G replaced by A.
Protein change: p.Gly441Ser; replaces glycine 441 with serine.
Molecular consequence: missense variant.
Genome position (GRCh38, 1-based): chr17:5,559,375, C>T on the plus strand (G>A on the coding strand, the complement: NLRP1 is on the minus strand). VCF-style: chr17-5559375-C-T. GRCh37 (hg19) VCF-style: chr17-5462695-C-T.
Other names: c.1321G>A, p.Gly441Ser (NM_001033053.3, NM_014922.5, NM_033006.4 and 1 more transcripts); short protein forms G441S.
Identifiers: ClinVar variation 1956678 (VCV001956678.5), dbSNP rs1914469317, ClinGen allele CA397386140.
Genomic context (GRCh38, chr17:5,559,375, plus strand): 5'-TGGTCCGAGCCGTGATCAGGAAGGATGCCTCGGGAAGTATAGTTTTCCCCAGCAAACTGC[C>T]CAGCAGTGCATCCGCCGGCTGTGGCTGGCTCCAGTGCAGACAGAGCTCAGAACTCGGCTC-3'
Protein context (NP_127497.1, residues 431-451): SQPQPADALL[Gly441Ser]SLLGKTILPE

ClinVar aggregate classification (germline): Uncertain significance (1 of 4 stars; one submission).

gnomAD v4.1: 11 of 1,614,022 alleles (0.00068%); highest among the groups gnomAD compares: Non-Finnish European, 0.00059%; no homozygotes.

Submission:

Labcorp Genetics (formerly Invitae), Labcorp
Classification: Uncertain significance. Last evaluated: 2022-10-17. Review status: criteria provided, single submitter. Criteria: Invitae Variant Classification Sherloc (09022015). Collection method: clinical testing. Allele origin: germline.
Comment: This variant has not been reported in the literature in individuals affected with NLRP1-related conditions. This sequence change replaces glycine, which is neutral and non-polar, with serine, which is neutral and polar, at codon 441 of the NLRP1 protein (p.Gly441Ser). This variant is not present in population databases (gnomAD no frequency). Algorithms developed to predict the effect of missense changes on protein structure and function output the following: SIFT: "Tolerated"; PolyPhen-2: "Possibly Damaging"; Align-GVGD: "Class C0". The serine amino acid residue is found in multiple mammalian species, which suggests that this missense change does not adversely affect protein function. In summary, the available evidence is currently insufficient to determine the role of this variant in disease. Therefore, it has been classified as a Variant of Uncertain Significance.